The following is an entry in ClinVar:

ClinVar aggregate classification (germline): Conflicting classifications of pathogenicity. Review status: criteria provided, conflicting classifications (1 of 4 stars). 23 submissions from 23 submitters: Uncertain significance (11); Likely benign (6). 6 of the submissions do not count toward it. Last evaluated 2026-04-24.

Conditions:
POLD1-related disorder. Also called: POLD1-related disorders; POLD1-related condition.
Hereditary cancer-predisposing syndrome. Also called: Neoplastic Syndromes, Hereditary; Hereditary Cancer Syndrome; Tumor predisposition; Hereditary neoplastic syndrome. Identifiers: Orphanet 140162, MedGen C0027672, MeSH D009386, MONDO:0015356.
Mandibular hypoplasia-deafness-progeroid syndrome. Also called: Mandibular hypoplasia, deafness, progeroid features, and lipodystrophy syndrome. Identifiers: Orphanet 363649, MedGen C3715192, MONDO:0014157, OMIM 615381.
POLD1-related polyposis and colorectal cancer syndrome (CRCS10). Also called: Colorectal cancer 10; Colorectal cancer, susceptibility to, 10; COLORECTAL CANCER, SUSCEPTIBILITY TO, ON CHROMOSOME 19q. Identifiers: Orphanet 220460, MedGen C2675481, MONDO:0012953, OMIM 612591.
Carcinoma of colon (CRC). Also called: Colonic carcinoma; Colon carcinoma. Identifiers: MedGen C0699790, MONDO:0002032.
Familial colorectal cancer. Identifiers: MedGen CN280943, MONDO:0023113. Disease mechanism: loss of function.

Allele frequency attached by ClinVar (database versions not stated): ESP Exome Variant Server 0.00015; gnomAD 0.00027 and 0.00029; TOPMed 0.00028.
gnomAD v4.1: 697 of 1,591,596 alleles (0.044%); highest among the groups gnomAD compares: Non-Finnish European, 0.055%; 1 homozygote.

Submissions 1 to 14 of 23:

Women's Health and Genetics/Laboratory Corporation of America, LabCorp
Classification: Likely benign. Last evaluated: 2026-04-24. Review status: criteria provided, single submitter. Criteria: LabCorp Variant Classification Summary - May 2015. Collection method: clinical testing. Allele origin: germline.
Comment: Variant summary: POLD1 c.961G>A (p.Gly321Ser) results in a non-conservative amino acid change located in the DNA-directed DNA polymerase, family B, exonuclease domain (IPR006133) of the encoded protein sequence. Algorithms developed to predict the effect of missense changes on protein structure and function are either unavailable or do not agree on the potential impact of this missense change. The variant allele was found at a frequency of 0.00037 in 241452 control chromosomes, predominantly at a frequency of 0.00073 within the Non-Finnish European subpopulation in the gnomAD database. The observed variant frequency within Non-Finnish European control individuals in the gnomAD database exceeds the estimated maximal expected allele frequency for disease-causing variants in POLD1. c.961G>A has been observed in individuals affected with multiple polyps and colorectal cancer (CRC) without family segregation (Weren_2015, Elsayed_2019). These report(s) do not provide unequivocal conclusions about association of the variant with Mandibular Hypoplasia, Deafness, Progeroid Features, And Lipodystrophy Syndrome. To our knowledge, no experimental evidence demonstrating an impact on protein function has been reported. The following publications have been ascertained in the context of this evaluation (PMID: 30827058, 25938944). ClinVar contains an entry for this variant (Variation ID: 221136). Based on the evidence outlined above, the variant was classified as likely benign.

Labcorp Genetics (formerly Invitae), Labcorp
Classification: Likely benign for POLD1-related polyposis and colorectal cancer syndrome. Last evaluated: 2026-01-31. Review status: criteria provided, single submitter. Criteria: Invitae Variant Classification Sherloc (09022015). Collection method: clinical testing. Allele origin: germline.

Center for Genomic Medicine, Rigshospitalet, Copenhagen University Hospital
Classification: Likely benign. Last evaluated: 2025-12-29. Review status: criteria provided, single submitter. Criteria: ACMG Guidelines, 2015. Collection method: clinical testing. Allele origin: germline.
Comment: Classification criteria: BA1

PreventionGenetics, part of Exact Sciences
Classification: Likely benign for POLD1-related condition. Last evaluated: 2025-07-14. Review status: criteria provided, single submitter. Criteria: ACMG Guidelines, 2015. Collection method: clinical testing. Allele origin: germline.
Comment: This variant is classified as likely benign based on ACMG/AMP sequence variant interpretation guidelines (Richards et al. 2015 PMID: 25741868, with internal and published modifications).

Quest Diagnostics Nichols Institute San Juan Capistrano
Classification: Uncertain significance. Last evaluated: 2025-07-11. Review status: criteria provided, single submitter. Criteria: Quest Diagnostics criteria. Collection method: clinical testing. Allele origin: unknown.
Comment: The POLD1 c.961G>A (p.Gly321Ser) variant has been reported in the published literature in individuals with colorectal polyps and colorectal cancer (PMIDs: 33193653 (2020), 30827058 (2019), 26648449 (2015), 25938944 (2015)). Functional studies demonstrated that this variant was damaging to protein function (PMID: 26648449 (2015)). The frequency of this variant in the general population (Genome Aggregation Database) is higher than would generally be expected for pathogenic variants in this gene. Analysis of this variant using bioinformatics tools for the prediction of the effect of amino acid changes on protein structure and function yielded predictions that this variant is damaging. Based on the available information, we are unable to determine the clinical significance of this variant.

Blueprint Genetics
Classification: Uncertain significance. Last evaluated: 2024-11-07. Review status: criteria provided, single submitter. Criteria: ACMG Guidelines, 2015. Collection method: clinical testing. Allele origin: germline.

St. Jude Molecular Pathology, St. Jude Children's Research Hospital
Classification: Uncertain significance for POLD1-related polyposis and colorectal cancer syndrome. Last evaluated: 2024-07-05. Review status: criteria provided, single submitter. Criteria: St. Jude Assertion Criteria 2020. Collection method: clinical testing. Allele origin: germline.
Comment: The POLD1 c.961G>A (p.Gly321Ser) missense change has a maximum subpopulation frequency of 0.066% in gnomAD v2.1.1. The in silico tool REVEL is inconclusive about a pathogenic or benign effect of this variant on protein function, and to our knowledge, functional studies have not been performed. This variant has been reported in the literature in individuals with a personal and/or family history of colorectal cancer (PMID: 26648449, 30827058, 33193653). It was also reported in individuals with multiple endocrine neoplasia (PMID: 30680046), and hereditary breast/ovarian cancer (PMID: 38136308). This variant co-occurred with a pathogenic mutation in MUTYH in one individual diagnosed with colorectal cancer who presented with >100 colorectal polyps (PMID: 30827058). This variant has also been detected in non-cancer controls (PMID: 30267214). In summary, the evidence currently available is insufficient to determine the clinical significance of this variant. It has therefore been classified as of uncertain significance.

GeneDx
Classification: Uncertain significance. Last evaluated: 2024-04-02. Review status: criteria provided, single submitter. Criteria: GeneDx Variant Classification Process June 2021. Collection method: clinical testing. Allele origin: germline. Affected: yes.
Comment: In silico analysis supports that this missense variant has a deleterious effect on protein structure/function; This variant is associated with the following publications: (PMID: 30827058, 30680046, 20951805, 25938944, 27320729, 26648449, 28188185, 29120461, 33193653, 33332384, 34326862, 35264596, 37088804)

Molecular Pathology, Peter Maccallum Cancer Centre
Classification: Likely benign for POLD1-related polyposis and colorectal cancer syndrome. Last evaluated: 2024-03-18. Review status: criteria provided, single submitter. Criteria: ACMG Guidelines, 2015. Collection method: clinical testing. Allele origin: germline. Inheritance: Autosomal dominant inheritance.

Clinical Genetics Laboratory, Skane University Hospital Lund
Classification: Uncertain significance. Last evaluated: 2023-10-02. Review status: criteria provided, single submitter. Criteria: ACMG Guidelines, 2015. Collection method: clinical testing. Allele origin: germline. Affected: yes.

Mayo Clinic Laboratories, Mayo Clinic
Classification: Uncertain significance. Last evaluated: 2023-06-13. Review status: criteria provided, single submitter. Criteria: ACMG Guidelines, 2015. Collection method: clinical testing. Allele origin: germline. Observed: 4 variant alleles.

Myriad Genetics, Inc.
Classification: Uncertain significance for POLD1-related polyposis and colorectal cancer syndrome. Last evaluated: 2023-04-19. Review status: criteria provided, single submitter. Criteria: Myriad Autosomal Dominant, Autosomal Recessive and X-Linked Classification Criteria (2023). Collection method: clinical testing. Allele origin: unknown.
Comment: This variant is classified as a variant of uncertain significance as there is insufficient evidence to determine its impact on protein function and/or cancer risk.

CeGaT Center for Human Genetics Tuebingen
Classification: Uncertain significance. Last evaluated: 2022-09-01. Review status: criteria provided, single submitter. Criteria: CeGaT Center For Human Genetics Tuebingen Variant Classification Criteria Version 2. Collection method: clinical testing. Allele origin: germline. Affected: yes. Observed: 1 variant allele.

Ambry Genetics
Classification: Likely benign for Hereditary cancer-predisposing syndrome. Last evaluated: 2021-11-03. Review status: criteria provided, single submitter. Criteria: Ambry Variant Classification Scheme 2023. Collection method: clinical testing. Allele origin: germline.

NM_002691.4(POLD1):c.961G>A (p.Gly321Ser)

Gene: POLD1 (DNA polymerase delta 1, catalytic subunit; plus strand). Cytogenetic location: 19q13.33.
Variant type: single nucleotide variant.
Coding change: c.961G>A on transcript NM_002691.4 (MANE Select); coding-DNA position 961, G replaced by A.
Protein change: p.Gly321Ser; replaces glycine 321 with serine.
Molecular consequence: missense variant. On other transcripts: non-coding transcript variant (1).
Genome position (GRCh38, 1-based): chr19:50,402,732, G>A. VCF-style: chr19-50402732-G-A. GRCh37 (hg19) VCF-style: chr19-50905989-G-A.
Other names: c.961G>A, p.Gly321Ser (NM_001256849.1, NM_001308632.1); short protein forms G321S.
Identifiers: ClinVar variation 221136 (VCV000221136.96), dbSNP rs41554817, ClinGen allele CA348762.